The following is an entry in ClinVar:

ClinVar aggregate classification (germline): Conflicting classifications of pathogenicity. Review status: criteria provided, conflicting classifications (1 of 4 stars). 4 submissions from 4 submitters: Likely pathogenic (1); Uncertain significance (3). Last evaluated 2025-04-16.

Conditions:
Hereditary breast ovarian cancer syndrome. Also called: Hereditary breast and ovarian cancer syndrome; Hereditary breast and ovarian cancer; Hereditary breast and ovarian cancer syndrome (HBOC); Hereditary breast and/or ovarian cancer syndrome; Breast and ovarian cancer; BRCA1- and BRCA2-Associated Hereditary Breast and Ovarian Cancer. Identifiers: Orphanet 145, MedGen C0677776, MeSH D061325, MONDO:0003582. Disease mechanism: loss of function.
Hereditary cancer-predisposing syndrome. Also called: Tumor predisposition; Hereditary Cancer Syndrome; Neoplastic Syndromes, Hereditary; Hereditary neoplastic syndrome. Identifiers: Orphanet 140162, MedGen C0027672, MeSH D009386, MONDO:0015356.

Allele frequency attached by ClinVar (database versions not stated): gnomAD exomes below 0.00001.
gnomAD v4.1: 2 of 1,613,602 alleles (0.00012%); highest among the groups gnomAD compares: East Asian, 0.0045%; no homozygotes.

Submissions (4):

Labcorp Genetics (formerly Invitae), Labcorp
Classification: Uncertain significance for Hereditary breast ovarian cancer syndrome. Last evaluated: 2025-04-16. Review status: criteria provided, single submitter. Criteria: Invitae Variant Classification Sherloc (09022015). Collection method: clinical testing. Allele origin: germline.
Comment: This sequence change replaces asparagine, which is neutral and polar, with serine, which is neutral and polar, at codon 2781 of the BRCA2 protein (p.Asn2781Ser). This variant is not present in population databases (gnomAD no frequency). This missense change has been observed in individual(s) with breast cancer (PMID: 19656164, 28111427). ClinVar contains an entry for this variant (Variation ID: 1331803). Invitae Evidence Modeling of protein sequence and biophysical properties (such as structural, functional, and spatial information, amino acid conservation, physicochemical variation, residue mobility, and thermodynamic stability) has been performed for this missense variant. However, the output from this modeling did not meet the statistical confidence thresholds required to predict the impact of this variant on BRCA2 protein function. In summary, the available evidence is currently insufficient to determine the role of this variant in disease. Therefore, it has been classified as a Variant of Uncertain Significance.

Breast Care Center, Daerim St. Mary`s Hospital
Classification: Likely pathogenic for Hereditary breast and ovarian cancer syndrome. Last evaluated: 2024-12-12. Review status: criteria provided, single submitter. Criteria: ACMG Guidelines, 2015. Collection method: clinical testing. Allele origin: germline. Inheritance: Autosomal dominant inheritance. Affected: yes. Observed: 1 heterozygote.
Comment: The c.8342A>G variant in coding exon 19 of the BRCA2 gene results in a p.Asn2781Ser substitution. This position is highly conserved across most species (PMID: 19656164). This non-truncating nonsynonymous variant is located in an exonic hotspot and/or a critical functional domain of the gene. A different amino acid change at the same position (p.Asn2781Ile) has been reported as likely pathogenic in an ovarian cancer case (PMID: 18559594) and esophageal squamous cell cancer (PMID: 31396961). The c.8342A>G variant is not found in the gnomAD genomes and has an allele frequency of 0.004458% in the East Asian population of the gnomAD exomes database. Multiple computational prediction tools suggest a deleterious effect of this nonsynonymous missense variant on BRCA2 function. Additionally, this variant has been reported in other Korean breast cancer patients and families (PMID: 19656164, 28111427). Based on the available evidence, this variant is classified as likely pathogenic.

Ambry Genetics
Classification: Uncertain significance for Hereditary cancer-predisposing syndrome. Last evaluated: 2024-02-01. Review status: criteria provided, single submitter. Criteria: Ambry Variant Classification Scheme 2023. Collection method: clinical testing. Allele origin: germline.
Comment: The p.N2781S variant (also known as c.8342A>G), located in coding exon 18 of the BRCA2 gene, results from an A to G substitution at nucleotide position 8342. The asparagine at codon 2781 is replaced by serine, an amino acid with highly similar properties. This alteration has been reported in cohorts of Korean breast cancer cases; however, at least one individual was also positive for a pathogenic mutation in the BRCA1 gene (Seong MW et al. Clin Genet, 2009 Aug;76:152-60; Park JS et al. Cancer Res Treat, 2017 Oct;49:1012-1021). This amino acid position is highly conserved in available vertebrate species. In addition, the in silico prediction for this alteration is inconclusive. Based on the available evidence, the clinical significance of this alteration remains unclear.

Color Diagnostics, LLC DBA Color Health
Classification: Uncertain significance for Hereditary cancer-predisposing syndrome. Last evaluated: 2021-07-16. Review status: criteria provided, single submitter. Criteria: ACMG Guidelines, 2015. Collection method: clinical testing. Allele origin: germline.
Comment: This missense variant replaces asparagine with serine at codon 2781 of the BRCA2 protein. Computational prediction suggests that this variant may have deleterious impact on protein structure and function (internally defined REVEL score threshold >= 0.7, PMID: 27666373). To our knowledge, functional studies have not been reported for this variant. This variant has been reported in an individual affected with breast cancer (PMID: 19656164) and in another individual affected with familial breast cancer with a pathogenic BRCA1 covariant (PMID: 28111427). This variant has not been identified in the general population by the Genome Aggregation Database (gnomAD). The available evidence is insufficient to determine the role of this variant in disease conclusively. Therefore, this variant is classified as a Variant of Uncertain Significance.

Literature cited by the submitters: PubMed 19656164 (cited by Labcorp Genetics (formerly Invitae), Labcorp and Ambry Genetics); PubMed 28111427 (cited by Labcorp Genetics (formerly Invitae), Labcorp and Ambry Genetics).

NM_000059.4(BRCA2):c.8342A>G (p.Asn2781Ser)

Gene: BRCA2 (BRCA2 DNA repair associated; plus strand). Cytogenetic location: 13q13.1.
Variant type: single nucleotide variant.
Coding change: c.8342A>G on transcript NM_000059.4 (MANE Select); coding-DNA position 8342, A replaced by G.
Protein change: p.Asn2781Ser; replaces asparagine 2781 with serine.
Molecular consequence: missense variant.
Genome position (GRCh38, 1-based): chr13:32,370,412, A>G. VCF-style: chr13-32370412-A-G. GRCh37 (hg19) VCF-style: chr13-32944549-A-G.
Other names: short protein forms N2781S.
Identifiers: ClinVar variation 1331803 (VCV001331803.11), dbSNP rs1434821822, ClinGen allele CA387752354.
Genomic context (GRCh38, chr13:32,370,412, plus strand): 5'-ATTGAATACATATTTAACTACTAAATCAATATATTTATTAATTTGTCCAGATTTCTGCTA[A>G]CAGTACTCGGCCTGCTCGCTGGTATACCAAACTTGGATTCTTTCCTGACCCTAGACCTTT-3'
Protein context (NP_000050.3, residues 2771-2791): PESLMLKISA[Asn2781Ser]STRPARWYTK